The following is an entry in ClinVar:

NM_001267550.2(TTN):c.10770G>A (p.Glu3590=)

Gene: TTN (titin; minus strand). Cytogenetic location: 2q31.2.
Variant type: single nucleotide variant.
Coding change: c.10770G>A on transcript NM_001267550.2 (MANE Select); coding-DNA position 10770, G replaced by A.
Protein change: p.Glu3590=; no amino-acid change (glutamic acid 3590 retained).
Molecular consequence: synonymous variant. On other transcripts: intron variant (5).
Genome position (GRCh38, 1-based): chr2:178,756,706, C>T on the plus strand (G>A on the coding strand, the complement: TTN is on the minus strand). VCF-style: chr2-178756706-C-T. GRCh37 (hg19) VCF-style: chr2-179621433-C-T.
Other names: c.10257G>A, p.Glu3419= (NM_133437.4); c.10165+2278G>A (NM_003319.4); c.10540+836G>A (NM_133432.3); c.10303+2278G>A (NM_133378.4, NM_001256850.1, NM_133379.5); c.10770G>A (NM_001267550.1).
Identifiers: ClinVar variation 179900 (VCV000179900.19), dbSNP rs377401997, ClinGen allele CA185384.
Genomic context (GRCh38, chr2:178,756,706, plus strand): 5'-CACTTCATATTCATATGATGATCCTTGAAATGACTTAATTTCCTTTTGAGATATTTTGCT[C>T]TCCTCCTTTGTGAAAGAGGAATCTGCCACTGCCTGGGACTTGGTGGACTCTCTTACATCT-3'
Protein context (NP_001254479.2, residues 3580-3600): AVADSSFTKE[Glu3590=]SKISQKEIKS

ClinVar aggregate classification (germline): Likely benign. Review status: criteria provided, multiple submitters, no conflicts (2 of 4 stars). 5 submissions from 5 submitters: Likely benign (5). Last evaluated 2026-04-01.

Conditions:
TTN-related disorder. Also called: TTN-related condition; TTN-related disease; TTN-related disorders.
Dilated cardiomyopathy 1G (CMD1G). Identifiers: Orphanet 154, MedGen C1858763, MONDO:0011400, OMIM 604145.
Autosomal recessive limb-girdle muscular dystrophy type 2J (LGMDR10). Also called: Limb-girdle muscular dystrophy, type 2J; MUSCULAR DYSTROPHY, LIMB-GIRDLE, AUTOSOMAL RECESSIVE 10. Identifiers: Orphanet 140922, MedGen C1837342, MONDO:0012127, OMIM 608807.

Allele frequency attached by ClinVar (database versions not stated): TOPMed 0.00006.
gnomAD v4.1: 121 of 1,613,638 alleles (0.0075%); highest among the groups gnomAD compares: Non-Finnish European, 0.0097%; no homozygotes.

Submissions (5):

PreventionGenetics, part of Exact Sciences
Classification: Likely benign for TTN-related condition. Last evaluated: 2026-04-01. Review status: criteria provided, single submitter. Criteria: ACMG Guidelines, 2015. Collection method: clinical testing. Allele origin: germline.
Comment: This variant is classified as likely benign based on ACMG/AMP sequence variant interpretation guidelines (Richards et al. 2015 PMID: 25741868, with internal and published modifications).

Labcorp Genetics (formerly Invitae), Labcorp
Classification: Likely benign for Dilated cardiomyopathy 1G; Autosomal recessive limb-girdle muscular dystrophy type 2J. Last evaluated: 2025-12-16. Review status: criteria provided, single submitter. Criteria: Invitae Variant Classification Sherloc (09022015). Collection method: clinical testing. Allele origin: germline.

Athena Diagnostics
Classification: Likely benign. Last evaluated: 2025-06-02. Review status: criteria provided, single submitter. Criteria: Athena Diagnostics Criteria. Collection method: clinical testing. Allele origin: unknown.
Comment: Computational tools yielded predictions that this variant is unlikely to have an effect on normal RNA splicing. This nucleotide position exhibits low evolutionary conservation.

Blueprint Genetics
Classification: Likely benign. Last evaluated: 2022-10-18. Review status: criteria provided, single submitter. Criteria: ACMG Guidelines, 2015. Collection method: clinical testing. Allele origin: germline.

Laboratory for Molecular Medicine, Mass General Brigham Personalized Medicine
Classification: Likely benign. Last evaluated: 2014-07-21. Review status: criteria provided, single submitter. Criteria: LMM Criteria. Collection method: clinical testing. Allele origin: germline. Observed: 1 variant allele.
Comment: Glu3419Glu in exon 44B of TTN: This variant is not expected to have clinical sig nificance because it does not alter an amino acid residue and is not located wit hin the splice consensus sequence.